The following is an entry in ClinVar:

NM_004360.5(CDH1):c.135C>A (p.His45Gln)

Gene: CDH1 (cadherin 1; plus strand). Cytogenetic location: 16q22.1.
Variant type: single nucleotide variant.
Coding change: c.135C>A on transcript NM_004360.5 (MANE Select); coding-DNA position 135, C replaced by A.
Protein change: p.His45Gln; replaces histidine 45 with glutamine.
Molecular consequence: missense variant. On other transcripts: 5 prime UTR variant (2).
Genome position (GRCh38, 1-based): chr16:68,738,383, C>A. VCF-style: chr16-68738383-C-A. GRCh37 (hg19) VCF-style: chr16-68772286-C-A.
Other names: c.135C>A, p.His45Gln (NM_001317184.2); c.-1481C>A (NM_001317185.2); c.-1685C>A (NM_001317186.2); short protein forms H45Q.
Identifiers: ClinVar variation 2775023 (VCV002775023.2), dbSNP rs2152114452, ClinGen allele CA396452200.
Genomic context (GRCh38, chr16:68,738,383, plus strand): 5'-GGAGCCCTGCCACCCTGGCTTTGACGCCGAGAGCTACACGTTCACGGTGCCCCGGCGCCA[C>A]CTGGAGAGAGGCCGCGTCCTGGGCAGAGGTGAGGGCGCGCTGCCGGTGTCCCTGGGCGGA-3'
Protein context (NP_004351.1, residues 35-55): ESYTFTVPRR[His45Gln]LERGRVLGRV

ClinVar aggregate classification (germline): Uncertain significance (1 of 4 stars; one submission).

Conditions:
Hereditary cancer-predisposing syndrome. Also called: Neoplastic Syndromes, Hereditary; Tumor predisposition; Hereditary Cancer Syndrome; Hereditary neoplastic syndrome. Identifiers: Orphanet 140162, MedGen C0027672, MeSH D009386, MONDO:0015356.

Submission:

Color Diagnostics, LLC DBA Color Health
Classification: Uncertain significance for Hereditary cancer-predisposing syndrome. Last evaluated: 2023-12-04. Review status: criteria provided, single submitter. Criteria: ACMG Guidelines, 2015. Collection method: clinical testing. Allele origin: germline.
Comment: This missense variant replaces histidine with glutamine at codon 45 of the CDH1 protein. To our knowledge, functional studies have not been reported for this variant. This variant has not been reported in individuals affected with hereditary cancer in the literature. This variant has not been identified in the general population by the Genome Aggregation Database (gnomAD). The available evidence is insufficient to determine the role of this variant in disease conclusively. Therefore, this variant is classified as a Variant of Uncertain Significance.